The following is an entry in ClinVar:

ClinVar aggregate classification (germline): Likely pathogenic (1 of 4 stars; one submission).

Conditions:
Nemaline myopathy. Also called: Myopathies, Nemaline. Identifiers: Orphanet 607, MedGen C0206157, MONDO:0018958.

Submission:

Women's Health and Genetics/Laboratory Corporation of America, LabCorp
Classification: Likely pathogenic for Nemaline myopathy. Last evaluated: 2022-10-19. Review status: criteria provided, single submitter. Criteria: LabCorp Variant Classification Summary - May 2015. Collection method: clinical testing. Allele origin: germline.
Comment: Variant summary: NEB c.7665delT (p.Arg2556AlafsX19) results in a premature termination codon, predicted to cause a truncation of the encoded protein or absence of the protein due to nonsense mediated decay, which are commonly known mechanisms for disease. Truncations downstream of this position have been classified as pathogenic by our laboratory. The variant was absent in 248938 control chromosomes. To our knowledge, no occurrence of c.7665delT in individuals affected with Nemaline Myopathy 2 and no experimental evidence demonstrating its impact on protein function have been reported. No clinical diagnostic laboratories have submitted clinical-significance assessments for this variant to ClinVar after 2014. Based on the evidence outlined above, the variant was classified as likely pathogenic.

NM_001164508.2(NEB):c.7665del (p.Arg2556fs)

Gene: NEB (nebulin; minus strand). Cytogenetic location: 2q23.3.
Variant type: Deletion.
Coding change: c.7665del on transcript NM_001164508.2 (MANE Select); coding-DNA position 7665, one base deleted (T; older notation c.7665delT).
Protein change: p.Arg2556fs; shifts the reading frame from arginine 2556.
Molecular consequence: frameshift variant.
Genome position (GRCh38, 1-based): chr2:151,644,109, A deleted on the plus strand (T on the coding strand, the reverse complement: NEB is on the minus strand); the first of 3 consecutive A bases (chr2:151,644,109-151,644,111); deleting any one gives the same sequence. VCF-style (leftmost placement, unchanged base first): chr2-151644108-GA-G. GRCh37 (hg19) VCF-style: chr2-152500622-GA-G.
Other names: c.7665del, p.Arg2556fs (NM_001164507.2, NM_001271208.2, NM_004543.5); c.7665delT (NM_001271208.1); short protein forms R2556fs.
Identifiers: ClinVar variation 1723349 (VCV001723349.1), dbSNP rs2552247380, ClinGen allele CA2580064055.
Genomic context (GRCh38, chr2:151,644,108, plus strand): 5'-ACATCATCTTGGGGTCATCTTCAATGTTCCGGGCACCAATGTGGTGGCCGAGCTGCTTGC[GA>G]AAGCCTTCCTTGTACTTGTACTAGAGAAAAAAAATGTGTCTCATTCCTTTCAAAATTTAC-3'